The following is an entry in ClinVar:

ClinVar aggregate classification (germline): Pathogenic/Likely pathogenic. Review status: criteria provided, multiple submitters, no conflicts (2 of 4 stars). 4 submissions from 4 submitters: Pathogenic (1); Likely pathogenic (3). Last evaluated 2025-11-10.

Conditions:
Bardet-Biedl syndrome (BBS). Identifiers: Orphanet 110, MedGen C0752166, MONDO:0015229.
Bardet-Biedl syndrome 2 (BBS2). Identifiers: Orphanet 110, MedGen C2936863, MONDO:0014432, OMIM 615981.
BBS2-related ciliopathy. Identifiers: MedGen CN378634, MONDO:1040048.
Retinitis pigmentosa 74 (RP74). Identifiers: Orphanet 791, MedGen C4225281, MONDO:0014692, OMIM 616562.

Allele frequency attached by ClinVar (database versions not stated): gnomAD exomes below 0.00001; TOPMed below 0.00001.
gnomAD v4.1: 2 of 1,614,010 alleles (0.00012%); highest among the groups gnomAD compares: Non-Finnish European, 0.00017%; no homozygotes.

Submissions (4):

Labcorp Genetics (formerly Invitae), Labcorp
Classification: Pathogenic for Bardet-Biedl syndrome. Last evaluated: 2025-11-10. Review status: criteria provided, single submitter. Criteria: Invitae Variant Classification Sherloc (09022015). Collection method: clinical testing. Allele origin: germline.
Comment: This sequence change affects a donor splice site in intron 11 of the BBS2 gene. It is expected to disrupt RNA splicing. Variants that disrupt the donor or acceptor splice site typically lead to a loss of protein function (PMID: 16199547), and loss-of-function variants in BBS2 are known to be pathogenic (PMID: 11285252, 20177705, 24608809, 26518167). This variant is present in population databases (no rsID available, gnomAD 0.007%). Disruption of this splice site has been observed in individual(s) with Bardet-Biedl syndrome (PMID: 38514630). ClinVar contains an entry for this variant (Variation ID: 1066989). Algorithms developed to predict the effect of sequence changes on RNA splicing suggest that this variant may disrupt the consensus splice site. For these reasons, this variant has been classified as Pathogenic.

Myriad Genetics, Inc.
Classification: Likely pathogenic for BBS2-related ciliopathy. Last evaluated: 2025-02-25. Review status: criteria provided, single submitter. Criteria: Myriad Autosomal Dominant, Autosomal Recessive and X-Linked Classification Criteria (2023). Collection method: clinical testing. Allele origin: unknown.
Comment: NM_031885.3(BBS2):c.1397+1G>A is a variant in a canonical splice site classified as likely pathogenic in the context of Bardet-Biedl syndrome, BBS2-related. c.1397+1G>A has not been observed in cases with relevant disease. Relevant functional assessments of this variant are not available in the literature. c.1397+1G>A has been observed in referenced population frequency databases. In summary, NM_031885.3(BBS2):c.1397+1G>A is a variant in a canonical splice site in a gene where loss of function is a known mechanism of disease and is predicted to disrupt protein function. Please note: this variant was assessed in the context of healthy population screening.

Natera, Inc.
Classification: Likely pathogenic for Bardet-Biedl syndrome type 2. Last evaluated: 2024-10-22. Review status: criteria provided, single submitter. Criteria: Natera Variant Classification Schema (03/2026). Collection method: clinical testing. Allele origin: germline.
Comment: The c.1397+1G>A variant in BBS2 is a canonical splice donor site variant predicted to affect pre-mRNA splicing, which may result in an abnormal transcript and altered protein product. This variant is expected to result in nonsense mediated decay, truncation, or a dysfunctional protein product. This variant is rare in the general population with a frequency below the threshold expected for the associated phenotype(s). Given the available evidence, this variant is classified as Likely Pathogenic.

Fulgent Genetics
Classification: Likely pathogenic for Bardet-Biedl syndrome 2; Retinitis pigmentosa 74. Last evaluated: 2024-02-29. Review status: criteria provided, single submitter. Criteria: ACMG Guidelines, 2015. Collection method: clinical testing. Allele origin: germline.

Literature cited by the submitters: PubMed 16199547 (cited by Labcorp Genetics (formerly Invitae), Labcorp); PubMed 11285252 (cited by Labcorp Genetics (formerly Invitae), Labcorp); PubMed 20177705 (cited by Labcorp Genetics (formerly Invitae), Labcorp); PubMed 24608809 (cited by Labcorp Genetics (formerly Invitae), Labcorp); PubMed 26518167 (cited by Labcorp Genetics (formerly Invitae), Labcorp); PubMed 38514630 (cited by Labcorp Genetics (formerly Invitae), Labcorp).

NM_031885.5(BBS2):c.1397+1G>A

Gene: BBS2 (Bardet-Biedl syndrome 2; minus strand). Cytogenetic location: 16q13.
Variant type: single nucleotide variant.
Coding change: c.1397+1G>A on transcript NM_031885.5 (MANE Select); the canonical splice donor site of the intron after coding-DNA position 1397, G replaced by A.
Molecular consequence: splice donor variant.
Genome position (GRCh38, 1-based): chr16:56,500,853, C>T on the plus strand (G>A on the coding strand, the complement: BBS2 is on the minus strand). VCF-style: chr16-56500853-C-T. GRCh37 (hg19) VCF-style: chr16-56534765-C-T.
Other names: c.1397+1G>A (NM_001377456.1, NM_031885.3).
Identifiers: ClinVar variation 1066989 (VCV001066989.10), dbSNP rs1225299095, ClinGen allele CA395979266.